The following is an entry in ClinVar:

ClinVar aggregate classification (germline): Conflicting classifications of pathogenicity. Review status: criteria provided, conflicting classifications (1 of 4 stars). 2 submissions from 2 submitters: Uncertain significance (1); Likely benign (1). Last evaluated 2025-11-25.

Conditions:
DEAF1-related disorder.

Allele frequency attached by ClinVar (database versions not stated): ExAC 0.00002; gnomAD exomes 0.00003 and 0.00005; gnomAD 0.00004 and 0.00005; TOPMed 0.00006.
gnomAD v4.1: 79 of 1,613,954 alleles (0.0049%); highest among the groups gnomAD compares: South Asian, 0.0088%; no homozygotes.

Submissions (2):

Labcorp Genetics (formerly Invitae), Labcorp
Classification: Uncertain significance. Last evaluated: 2025-11-25. Review status: criteria provided, single submitter. Criteria: Invitae Variant Classification Sherloc (09022015). Collection method: clinical testing. Allele origin: germline.
Comment: This sequence change falls in intron 5 of the DEAF1 gene. It does not directly change the encoded amino acid sequence of the DEAF1 protein. It affects a nucleotide within the consensus splice site. This variant is present in population databases (rs755156293, gnomAD 0.01%). This variant has not been reported in the literature in individuals affected with DEAF1-related conditions. ClinVar contains an entry for this variant (Variation ID: 1515585). Variants that disrupt the consensus splice site are a relatively common cause of aberrant splicing (PMID: 17576681, 9536098). Algorithms developed to predict the effect of sequence changes on RNA splicing suggest that this variant is not likely to affect RNA splicing. In summary, the available evidence is currently insufficient to determine the role of this variant in disease. Therefore, it has been classified as a Variant of Uncertain Significance.

PreventionGenetics, part of Exact Sciences
Classification: Likely benign for DEAF1-related condition. Last evaluated: 2025-02-25. Review status: criteria provided, single submitter. Criteria: ACMG Guidelines, 2015. Collection method: clinical testing. Allele origin: germline.
Comment: This variant is classified as likely benign based on ACMG/AMP sequence variant interpretation guidelines (Richards et al. 2015 PMID: 25741868, with internal and published modifications).

Literature cited by the submitters: PubMed 17576681 (cited by Labcorp Genetics (formerly Invitae), Labcorp); PubMed 9536098 (cited by Labcorp Genetics (formerly Invitae), Labcorp).

NM_021008.4(DEAF1):c.804+5C>T

Gene: DEAF1 (DEAF1 transcription factor; minus strand). Cytogenetic location: 11p15.5.
Variant type: single nucleotide variant.
Coding change: c.804+5C>T on transcript NM_021008.4 (MANE Select); 5 bases into the intron after coding-DNA position 804, C replaced by T.
Molecular consequence: intron variant.
Genome position (GRCh38, 1-based): chr11:686,853, G>A on the plus strand (C>T on the coding strand, the complement: DEAF1 is on the minus strand). VCF-style: chr11-686853-G-A. GRCh37 (hg19) VCF-style: chr11-686853-G-A.
Other names: c.78+5C>T (NM_001367390.1, NM_001440885.1, NM_001440887.1 and 1 more transcripts); c.664+1058C>T (NM_001293634.2); c.804+5C>T (NM_001440884.1, NM_001440883.1, NM_021008.3).
Identifiers: ClinVar variation 1515585 (VCV001515585.7), dbSNP rs755156293, ClinGen allele CA5786433.